The following is an entry in ClinVar:

NM_001999.4(FBN2):c.7139A>G (p.Asp2380Gly)

Gene: FBN2 (fibrillin 2; minus strand). Cytogenetic location: 5q23.3.
Variant type: single nucleotide variant.
Coding change: c.7139A>G on transcript NM_001999.4 (MANE Select); coding-DNA position 7139, A replaced by G.
Protein change: p.Asp2380Gly; replaces aspartic acid 2380 with glycine.
Molecular consequence: missense variant.
Genome position (GRCh38, 1-based): chr5:128,278,841, T>C on the plus strand (A>G on the coding strand, the complement: FBN2 is on the minus strand). VCF-style: chr5-128278841-T-C. GRCh37 (hg19) VCF-style: chr5-127614533-T-C.
Other names: short protein forms D2380G.
Identifiers: ClinVar variation 861462 (VCV000861462.4), dbSNP rs1765463264, ClinGen allele CA360756885.

ClinVar aggregate classification (germline): Uncertain significance. Review status: criteria provided, multiple submitters, no conflicts (2 of 4 stars). 2 submissions from 2 submitters: Uncertain significance (2). Last evaluated 2022-07-19.

Conditions:
Ehlers-Danlos syndrome (EDS). Identifiers: Orphanet 98249, MedGen C0013720, MONDO:0020066.
Congenital contractural arachnodactyly (CCA). Also called: BEALS SYNDROME; Beals-Hecht syndrome; Arthrogryposis, distal, type 9. Identifiers: Orphanet 115, MedGen C0220668, MONDO:0007363, OMIM 121050.

Allele frequency attached by ClinVar (database versions not stated): gnomAD exomes below 0.00001; TOPMed below 0.00001.
gnomAD v4.1: 1 of 1,612,754 alleles (0.000062%); highest among the groups gnomAD compares: Non-Finnish European, 0.000085%; no homozygotes.

Submissions (2):

Genome Diagnostics Laboratory, The Hospital for Sick Children
Classification: Uncertain significance for Ehlers-Danlos syndrome. Last evaluated: 2022-07-19. Review status: criteria provided, single submitter. Criteria: ACMG Guidelines, 2015. Collection method: clinical testing. Allele origin: germline.

Labcorp Genetics (formerly Invitae), Labcorp
Classification: Uncertain significance for Congenital contractural arachnodactyly. Last evaluated: 2019-11-27. Review status: criteria provided, single submitter. Criteria: Invitae Variant Classification Sherloc (09022015). Collection method: clinical testing. Allele origin: germline.
Comment: This sequence change replaces aspartic acid with glycine at codon 2380 of the FBN2 protein (p.Asp2380Gly). The aspartic acid residue is highly conserved and there is a moderate physicochemical difference between aspartic acid and glycine. This variant is not present in population databases (ExAC no frequency). This variant has not been reported in the literature in individuals with FBN2-related conditions. Algorithms developed to predict the effect of missense changes on protein structure and function (SIFT, PolyPhen-2, Align-GVGD) all suggest that this variant is likely to be disruptive, but these predictions have not been confirmed by published functional studies and their clinical significance is uncertain. In summary, the available evidence is currently insufficient to determine the role of this variant in disease. Therefore, it has been classified as a Variant of Uncertain Significance.